The following is an entry in ClinVar:

ClinVar aggregate classification (germline): Uncertain significance (1 of 4 stars; one submission).

Conditions:
Genitopatellar syndrome (GTPTS). Also called: ABSENT PATELLAE, SCROTAL HYPOPLASIA, RENAL ANOMALIES, FACIAL DYSMORPHISM, AND MENTAL RETARDATION; Genitopatellar syndrome (GPS). Identifiers: Orphanet 85201, MedGen C1853566, MONDO:0011640, OMIM 606170.

gnomAD v4.1: 2 of 1,613,718 alleles (0.00012%); highest among the groups gnomAD compares: South Asian, 0.0022%; no homozygotes.

Submission:

Labcorp Genetics (formerly Invitae), Labcorp
Classification: Uncertain significance for Genitopatellar syndrome. Last evaluated: 2024-12-24. Review status: criteria provided, single submitter. Criteria: Invitae Variant Classification Sherloc (09022015). Collection method: clinical testing. Allele origin: germline.
Comment: This sequence change replaces tryptophan, which is neutral and slightly polar, with serine, which is neutral and polar, at codon 704 of the KAT6B protein (p.Trp704Ser). This variant is not present in population databases (gnomAD no frequency). This variant has not been reported in the literature in individuals affected with KAT6B-related conditions. Invitae Evidence Modeling of protein sequence and biophysical properties (such as structural, functional, and spatial information, amino acid conservation, physicochemical variation, residue mobility, and thermodynamic stability) indicates that this missense variant is not expected to disrupt KAT6B protein function with a negative predictive value of 80%. In summary, the available evidence is currently insufficient to determine the role of this variant in disease. Therefore, it has been classified as a Variant of Uncertain Significance.

NM_012330.4(KAT6B):c.2111G>C (p.Trp704Ser)

Gene: KAT6B (lysine acetyltransferase 6B; plus strand). Cytogenetic location: 10q22.2.
Variant type: single nucleotide variant.
Coding change: c.2111G>C on transcript NM_012330.4 (MANE Select); coding-DNA position 2111, G replaced by C.
Protein change: p.Trp704Ser; replaces tryptophan 704 with serine.
Molecular consequence: missense variant. On other transcripts: intron variant (3).
Genome position (GRCh38, 1-based): chr10:74,977,433, G>C. VCF-style: chr10-74977433-G-C. GRCh37 (hg19) VCF-style: chr10-76737191-G-C.
Other names: c.1562G>C, p.Trp521Ser (NM_001370138.1, NM_001256468.2); c.1235G>C, p.Trp412Ser (NM_001370139.1, NM_001370140.1, NM_001370141.1 and 3 more transcripts); c.1046G>C, p.Trp349Ser (NM_001370143.1, NM_001370144.1); c.846+7658G>C (NM_001370133.1); c.193-1791G>C (NM_001370134.1); c.193-11586G>C (NM_001370135.1); c.2111G>C, p.Trp704Ser (NM_001370136.1, NM_001370137.1); short protein forms W349S, W704S, W521S, W412S.
Identifiers: ClinVar variation 3705065 (VCV003705065.2).